The following is an entry in ClinVar:

NM_014797.3(ZBTB24):c.1060G>A (p.Val354Met)

Gene: ZBTB24 (zinc finger and BTB domain containing 24; minus strand). Cytogenetic location: 6q21.
Variant type: single nucleotide variant.
Coding change: c.1060G>A on transcript NM_014797.3 (MANE Select); coding-DNA position 1060, G replaced by A.
Protein change: p.Val354Met; replaces valine 354 with methionine.
Molecular consequence: missense variant.
Genome position (GRCh38, 1-based): chr6:109,476,823, C>T on the plus strand (G>A on the coding strand, the complement: ZBTB24 is on the minus strand). VCF-style: chr6-109476823-C-T. GRCh37 (hg19) VCF-style: chr6-109798026-C-T.
Other names: c.1060G>A (NM_014797.2); short protein forms V354M.
Identifiers: ClinVar variation 1466407 (VCV001466407.6), dbSNP rs145832483, ClinGen allele CA3954200.

ClinVar aggregate classification (germline): Uncertain significance. Review status: criteria provided, multiple submitters, no conflicts (2 of 4 stars). 2 submissions from 2 submitters: Uncertain significance (2). Last evaluated 2022-07-19.

Conditions:
Inborn genetic diseases. Identifiers: MedGen C0950123, MeSH D030342.
Immunodeficiency-centromeric instability-facial anomalies syndrome 2 (ICF2). Identifiers: Orphanet 2268, MedGen C3279748, MONDO:0013553, OMIM 614069.

Allele frequency attached by ClinVar (database versions not stated): ExAC 0.00002; ESP Exome Variant Server 0.00008; gnomAD exomes 0.00001; gnomAD 0.00001; TOPMed 0.00002.

Submissions (2):

Labcorp Genetics (formerly Invitae), Labcorp
Classification: Uncertain significance for Immunodeficiency-centromeric instability-facial anomalies syndrome 2. Last evaluated: 2022-07-19. Review status: criteria provided, single submitter. Criteria: Invitae Variant Classification Sherloc (09022015). Collection method: clinical testing. Allele origin: germline.
Comment: This sequence change replaces valine, which is neutral and non-polar, with methionine, which is neutral and non-polar, at codon 354 of the ZBTB24 protein (p.Val354Met). This variant is present in population databases (rs145832483, gnomAD 0.003%). This variant has not been reported in the literature in individuals affected with ZBTB24-related conditions. ClinVar contains an entry for this variant (Variation ID: 1466407). Algorithms developed to predict the effect of missense changes on protein structure and function are either unavailable or do not agree on the potential impact of this missense change (SIFT: "Not Available"; PolyPhen-2: "Benign"; Align-GVGD: "Not Available"). In summary, the available evidence is currently insufficient to determine the role of this variant in disease. Therefore, it has been classified as a Variant of Uncertain Significance.

Ambry Genetics
Classification: Uncertain significance for Inborn genetic diseases. Last evaluated: 2021-08-09. Review status: criteria provided, single submitter. Criteria: Ambry Variant Classification Scheme 2023. Collection method: clinical testing. Allele origin: germline.